The following is an entry in ClinVar:

ClinVar aggregate classification (germline): Pathogenic (1 of 4 stars; one submission).

Conditions:
Methylmalonic aciduria and homocystinuria type cblD (MAHCD). Also called: Methylmalonic aciduria with homocystinuria cblD type; METHYLMALONIC ACIDEMIA, cblH TYPE. Identifiers: Orphanet 622, Orphanet 79283, MedGen C1848552, MONDO:0010185, OMIM 277410.

Submission:

Labcorp Genetics (formerly Invitae), Labcorp
Classification: Pathogenic for Methylmalonic aciduria and homocystinuria type cblD. Last evaluated: 2022-02-10. Review status: criteria provided, single submitter. Criteria: Invitae Variant Classification Sherloc (09022015). Collection method: clinical testing. Allele origin: germline.
Comment: This sequence change creates a premature translational stop signal (p.Lys183Glufs*2) in the MMADHC gene. It is expected to result in an absent or disrupted protein product. Loss-of-function variants in MMADHC are known to be pathogenic (PMID: 18385497). For these reasons, this variant has been classified as Pathogenic. This variant has not been reported in the literature in individuals affected with MMADHC-related conditions. This variant is not present in population databases (gnomAD no frequency).

Literature cited by the submitters: PubMed 18385497.

NM_015702.3(MMADHC):c.546_547del (p.Lys183fs)

Gene: MMADHC (metabolism of cobalamin associated D; minus strand). Cytogenetic location: 2q23.2.
Variant type: Deletion.
Coding change: c.546_547del on transcript NM_015702.3 (MANE Select); coding-DNA positions 546 to 547, 2 bases deleted (TA; older notation c.546_547delTA).
Protein change: p.Lys183fs; shifts the reading frame from lysine 183.
Molecular consequence: frameshift variant.
Genome position (GRCh38, 1-based): chr2:149,575,773-149,575,774, TA deleted on the plus strand (TA on the coding strand, the reverse complement: MMADHC is on the minus strand). VCF-style (leftmost placement, unchanged base first): chr2-149575772-TTA-T. GRCh37 (hg19) VCF-style: chr2-150432286-TTA-T.
Other names: short protein forms K183fs.
Identifiers: ClinVar variation 2096130 (VCV002096130.4), dbSNP rs2467640539, ClinGen allele CA2580063872.